The following is an entry in ClinVar:

ClinVar aggregate classification (germline): Likely pathogenic. Review status: criteria provided, multiple submitters, no conflicts (2 of 4 stars). 2 submissions from 2 submitters: Likely pathogenic (2). Last evaluated 2022-08-26.

Conditions:
Autism spectrum disorder due to AUTS2 deficiency (MRD26). Also called: INTELLECTUAL DEVELOPMENTAL DISORDER, AUTOSOMAL DOMINANT 26. Identifiers: Orphanet 352490, MedGen C4014435, MONDO:0014361, OMIM 615834.

Submissions (2):

Women's Health and Genetics/Laboratory Corporation of America, LabCorp
Classification: Likely pathogenic for Autism spectrum disorder due to AUTS2 deficiency. Last evaluated: 2022-08-26. Review status: criteria provided, single submitter. Criteria: LabCorp Variant Classification Summary - May 2015. Collection method: clinical testing. Allele origin: germline.
Comment: Variant summary: AUTS2 c.784C>T (p.Gln262X) results in a premature termination codon, predicted to cause a truncation of the encoded protein or absence of the protein due to nonsense mediated decay, which are commonly known mechanisms for disease. Truncations downstream of this position have been reported in affected individuals (HGMD). The variant was absent in 251468 control chromosomes (gnomAD). To our knowledge, no occurrence of c.784C>T in individuals affected with Autism Spectrum Disorder due to AUTS2 Deficiency and no experimental evidence demonstrating its impact on protein function have been reported. One clinical diagnostic laboratory has submitted clinical-significance assessments for this variant to ClinVar after 2014, and classified the variant as likely pathogenic. Based on the evidence outlined above, the variant was classified as likely pathogenic.

Equipe Genetique des Anomalies du Developpement, Université de Bourgogne
Classification: Likely pathogenic for Autism spectrum disorder due to AUTS2 deficiency. Last evaluated: 2019-05-21. Review status: criteria provided, single submitter. Criteria: ACMG Guidelines, 2015. Collection method: clinical testing. Allele origin: inherited. Affected: yes.

NM_015570.4(AUTS2):c.784C>T (p.Gln262Ter)

Gene: AUTS2 (activator of transcription and developmental regulator AUTS2; plus strand). Cytogenetic location: 7q11.22.
Variant type: single nucleotide variant.
Coding change: c.784C>T on transcript NM_015570.4 (MANE Select); coding-DNA position 784, C replaced by T.
Protein change: p.Gln262Ter; replaces glutamine 262 with a stop codon.
Molecular consequence: nonsense.
Genome position (GRCh38, 1-based): chr7:70,762,911, C>T. VCF-style: chr7-70762911-C-T. GRCh37 (hg19) VCF-style: chr7-70227897-C-T.
Other names: c.784C>T, p.Gln262Ter (NM_001127231.3); short protein forms Q262*.
Identifiers: ClinVar variation 827791 (VCV000827791.3), dbSNP rs1585645384, ClinGen allele CA367667175.